The following is an entry in ClinVar:

ClinVar aggregate classification (germline): Uncertain significance. Review status: criteria provided, multiple submitters, no conflicts (2 of 4 stars). 4 submissions from 4 submitters: Uncertain significance (4). Last evaluated 2025-07-09.

Conditions:
Cardiomyopathy (CMYO). Also called: Cardiomyopathies. Identifiers: Orphanet 167848, MedGen C0878544, MONDO:0004994, HP:0001638. Inheritance: Various modes of inheritance.
Cardiovascular phenotype. Identifiers: MedGen CN230736.
Hypertrophic cardiomyopathy. Also called: HYPERTROPHIC MYOCARDIOPATHY. Identifiers: Orphanet 217569, MedGen C0007194, MeSH D002312, MONDO:0005045, HP:0001639.

Allele frequency attached by ClinVar (database versions not stated): ExAC 0.00002; 1000 Genomes Project 0.00020; 1000 Genomes Project 30x 0.00047.
gnomAD v4.1: 16 of 1,614,012 alleles (0.00099%); highest among the groups gnomAD compares: South Asian, 0.0033%; no homozygotes.

Submissions (4):

Labcorp Genetics (formerly Invitae), Labcorp
Classification: Uncertain significance for Hypertrophic cardiomyopathy. Last evaluated: 2025-07-09. Review status: criteria provided, single submitter. Criteria: Invitae Variant Classification Sherloc (09022015). Collection method: clinical testing. Allele origin: germline.
Comment: This sequence change replaces arginine, which is basic and polar, with glutamine, which is neutral and polar, at codon 834 of the MYBPC3 protein (p.Arg834Gln). This variant is present in population databases (rs540988604, gnomAD 0.01%). This variant has not been reported in the literature in individuals affected with MYBPC3-related conditions. ClinVar contains an entry for this variant (Variation ID: 1929721). An algorithm developed to predict the effect of missense changes on protein structure and function outputs the following: PolyPhen-2: "Benign". The glutamine amino acid residue is found in multiple mammalian species, which suggests that this missense change does not adversely affect protein function. In summary, the available evidence is currently insufficient to determine the role of this variant in disease. Therefore, it has been classified as a Variant of Uncertain Significance.

Molecular Diagnostic Laboratory for Inherited Cardiovascular Disease, Montreal Heart Institute
Classification: Uncertain significance for Cardiovascular phenotype. Last evaluated: 2025-04-09. Review status: criteria provided, single submitter. Criteria: ACMG Guidelines, 2015. Collection method: clinical testing. Allele origin: germline. Affected: yes.
Comment: PM2, BP4, BP5

Color Diagnostics, LLC DBA Color Health
Classification: Uncertain significance for Cardiomyopathy. Last evaluated: 2024-02-20. Review status: criteria provided, single submitter. Criteria: ACMG Guidelines, 2015. Collection method: clinical testing. Allele origin: germline.
Comment: This missense variant replaces arginine with glutamine at codon 834 of the MYBPC3 protein. Computational prediction tools indicate that this variant has a neutral impact on protein structure and function. To our knowledge, functional studies have not been reported for this variant. This variant has not been reported in individuals affected with MYBPC3-related disorders in the literature. This variant has been identified in 5/249096 chromosomes in the general population by the Genome Aggregation Database (gnomAD). The available evidence is insufficient to determine the role of this variant in disease conclusively. Therefore, this variant is classified as a Variant of Uncertain Significance.

All of Us Research Program, National Institutes of Health
Classification: Uncertain significance for Hypertrophic cardiomyopathy. Last evaluated: 2023-09-17. Review status: criteria provided, single submitter. Criteria: ACMG Guidelines, 2015. Collection method: clinical testing. Allele origin: germline. Inheritance: Autosomal dominant inheritance. Observed: 4 variant alleles, 4 heterozygotes.
Comment: This missense variant replaces arginine with glutamine at codon 834 of the MYBPC3 protein. Computational prediction suggests that this variant may not impact protein structure and function (internally defined REVEL score threshold <= 0.5, PMID: 27666373). To our knowledge, functional studies have not been reported for this variant. This variant has not been reported in individuals affected with MYBPC3-related disorders in the literature. This variant has been identified in 5/249096 chromosomes in the general population by the Genome Aggregation Database (gnomAD). The available evidence is insufficient to determine the role of this variant in disease conclusively. Therefore, this variant is classified as a Variant of Uncertain Significance.

This study involves interpretation of variants in research participants for the purpose of population health screening. Participant phenotype was not available at the time of variant classification. Additional details can be found in publication PMID: 35346344, PMCID: PMC8962531

NM_000256.3(MYBPC3):c.2501G>A (p.Arg834Gln)

Gene: MYBPC3 (myosin binding protein C3; minus strand). Cytogenetic location: 11p11.2.
Variant type: single nucleotide variant.
Coding change: c.2501G>A on transcript NM_000256.3 (MANE Select); coding-DNA position 2501, G replaced by A.
Protein change: p.Arg834Gln; replaces arginine 834 with glutamine.
Molecular consequence: missense variant.
Genome position (GRCh38, 1-based): chr11:47,337,492, C>T on the plus strand (G>A on the coding strand, the complement: MYBPC3 is on the minus strand). VCF-style: chr11-47337492-C-T. GRCh37 (hg19) VCF-style: chr11-47359043-C-T.
Other names: short protein forms R834Q.
Identifiers: ClinVar variation 1929721 (VCV001929721.6), dbSNP rs540988604, ClinGen allele CA050206.